The following is an entry in ClinVar:

ClinVar aggregate classification (germline): Benign (0 of 4 stars; one submission).

Conditions:
CEP170B-related disorder. Also called: CEP170B-related condition.

Allele frequency attached by ClinVar (database versions not stated): ExAC 0.00896; 1000 Genomes Project 0.01198; 1000 Genomes Project 30x 0.01265; ESP Exome Variant Server 0.01379; gnomAD 0.01464; TOPMed 0.01677.
gnomAD v4.1: 4,396 of 1,579,062 alleles (0.28%); highest among the groups gnomAD compares: African/African-American, 5.3%; 122 homozygotes.

Submission:

PreventionGenetics, part of Exact Sciences
Classification: Benign for CEP170B-related condition. Last evaluated: 2019-10-01. Review status: no assertion criteria provided. Collection method: clinical testing. Allele origin: germline.
Comment: This variant is classified as benign based on ACMG/AMP sequence variant interpretation guidelines (Richards et al. 2015 PMID: 25741868, with internal and published modifications).

NM_001112726.3(CEP170B):c.1323C>T (p.Ala441=)

Gene: CEP170B (centrosomal protein 170B; plus strand). Cytogenetic location: 14q32.33.
Variant type: single nucleotide variant.
Coding change: c.1323C>T on transcript NM_001112726.3 (MANE Select); coding-DNA position 1323, C replaced by T.
Protein change: p.Ala441=; no amino-acid change (alanine 441 retained).
Molecular consequence: synonymous variant.
Genome position (GRCh38, 1-based): chr14:104,884,102, C>T. VCF-style: chr14-104884102-C-T. GRCh37 (hg19) VCF-style: chr14-105350439-C-T.
Other names: c.1113C>T, p.Ala371= (NM_015005.3).
Identifiers: ClinVar variation 3055568 (VCV003055568.2), dbSNP rs143836703, ClinGen allele CA7375569.
Genomic context (GRCh38, chr14:104,884,102, plus strand): 5'-CTTCACGCACAGCCCGTCCGGGGACCCCAAGGCCGACAAGCGCCGTGGCCCAACGCCGGC[C>T]GATAGGGACCGCCCCAGTGTCCCAGCCCCAGTCCAGGCAGGGGGCCGCAGCTCGGGGCCA-3'
Protein context (NP_001106197.1, residues 431-451): KADKRRGPTP[Ala441=]DRDRPSVPAP